The following is an entry in ClinVar:

NM_001329943.3(KIAA0586):c.4641C>T (p.Thr1547=)

Gene: KIAA0586 (KIAA0586; plus strand). Cytogenetic location: 14q23.1.
Variant type: single nucleotide variant.
Coding change: c.4641C>T on transcript NM_001329943.3 (MANE Select); coding-DNA position 4641, C replaced by T.
Protein change: p.Thr1547=; no amino-acid change (threonine 1547 retained).
Molecular consequence: synonymous variant. On other transcripts: missense variant (2).
Genome position (GRCh38, 1-based): chr14:58,547,926, C>T. VCF-style: chr14-58547926-C-T. GRCh37 (hg19) VCF-style: chr14-59014644-C-T.
Other names: c.4885C>T, p.Leu1629Phe (NM_001244189.2); c.4596C>T, p.Thr1532= (NM_001244190.2); c.4386C>T, p.Thr1462= (NM_001244191.2, NM_001364701.2); c.4509C>T, p.Thr1503= (NM_001244192.2, NM_001329947.2); c.4726C>T, p.Leu1576Phe (NM_001329944.2); c.4320C>T, p.Thr1440= (NM_001329945.2); c.4575C>T, p.Thr1525= (NM_001329946.2); c.4413C>T, p.Thr1471= (NM_014749.5); short protein forms L1576F, L1629F.
Identifiers: ClinVar variation 1376729 (VCV001376729.7), dbSNP rs1301341396, ClinGen allele CA390059624.

ClinVar aggregate classification (germline): Uncertain significance (1 of 4 stars; one submission).

Conditions:
Joubert syndrome 23 (JBTS23). Identifiers: Orphanet 475, MedGen C4084822, MONDO:0014664, OMIM 616490.
Short-rib thoracic dysplasia 14 with polydactyly (SRTD14). Identifiers: Orphanet 397715, MedGen C4225286, MONDO:0014688, OMIM 616546.

Submission:

Labcorp Genetics (formerly Invitae), Labcorp
Classification: Uncertain significance for Joubert syndrome 23; Short-rib thoracic dysplasia 14 with polydactyly. Last evaluated: 2021-03-10. Review status: criteria provided, single submitter. Criteria: Invitae Variant Classification Sherloc (09022015). Collection method: clinical testing. Allele origin: germline.
Comment: In summary, the available evidence is currently insufficient to determine the role of this variant in disease. Therefore, it has been classified as a Variant of Uncertain Significance. Algorithms developed to predict the effect of missense changes on protein structure and function output the following: SIFT: "Deleterious"; PolyPhen-2: "Possibly Damaging"; Align-GVGD: "Class C0". The phenylalanine amino acid residue is found in multiple mammalian species, suggesting that this missense change does not adversely affect protein function. These predictions have not been confirmed by published functional studies and their clinical significance is uncertain. This variant has not been reported in the literature in individuals with KIAA0586-related conditions. This variant is not present in population databases (ExAC no frequency). This sequence change replaces leucine with phenylalanine at codon 1629 of the KIAA0586 protein (p.Leu1629Phe). The leucine residue is weakly conserved and there is a small physicochemical difference between leucine and phenylalanine.